The following is an entry in ClinVar:

ClinVar aggregate classification (germline): Uncertain significance (1 of 4 stars; one submission).

Conditions:
Congenital myopathy with internal nuclei and atypical cores. Also called: Myopathy, centronuclear, 4. Identifiers: Orphanet 319160, MedGen C4707232, MONDO:0013890, OMIM 614807.

Allele frequency attached by ClinVar (database versions not stated): TOPMed below 0.00001; ExAC 0.00001.
gnomAD v4.1: 2 of 1,611,416 alleles (0.00012%); highest among the groups gnomAD compares: South Asian, 0.0011%; no homozygotes.

Submission:

Labcorp Genetics (formerly Invitae), Labcorp
Classification: Uncertain significance for Congenital myopathy with internal nuclei and atypical cores. Last evaluated: 2022-07-22. Review status: criteria provided, single submitter. Criteria: Invitae Variant Classification Sherloc (09022015). Collection method: clinical testing. Allele origin: germline.
Comment: In summary, the available evidence is currently insufficient to determine the role of this variant in disease. Therefore, it has been classified as a Variant of Uncertain Significance. Algorithms developed to predict the effect of missense changes on protein structure and function (SIFT, PolyPhen-2, Align-GVGD) all suggest that this variant is likely to be disruptive. This variant has not been reported in the literature in individuals affected with CCDC78-related conditions. This variant is present in population databases (rs767849635, gnomAD 0.003%). This sequence change replaces leucine, which is neutral and non-polar, with proline, which is neutral and non-polar, at codon 75 of the CCDC78 protein (p.Leu75Pro).

NM_001378030.1(CCDC78):c.224T>C (p.Leu75Pro)

Gene: CCDC78 (coiled-coil domain containing 78; minus strand). Cytogenetic location: 16p13.3.
Variant type: single nucleotide variant.
Coding change: c.224T>C on transcript NM_001378030.1 (MANE Select); coding-DNA position 224, T replaced by C.
Protein change: p.Leu75Pro; replaces leucine 75 with proline.
Molecular consequence: missense variant. On other transcripts: 5 prime UTR variant (1), non-coding transcript variant (5).
Genome position (GRCh38, 1-based): chr16:725,837, A>G on the plus strand (T>C on the coding strand, the complement: CCDC78 is on the minus strand). VCF-style: chr16-725837-A-G. GRCh37 (hg19) VCF-style: chr16-775837-A-G.
Other names: c.224T>C, p.Leu75Pro (NM_001031737.3, NM_001378031.1); c.-62T>C (NM_001378033.1); short protein forms L75P.
Identifiers: ClinVar variation 2150601 (VCV002150601.4), dbSNP rs767849635, ClinGen allele CA7789703.
Genomic context (GRCh38, chr16:725,837, plus strand): 5'-TTCACACGGCTGCTCACCTCACTCTTCAGCTGGAAGATTTCAGCCTCATGCTGCTCATGT[A>G]GGTGGTGGGTTGTGATCTGAATGTCGACCAGCTCCTTGGAGATCTGTGGGTGGCCAGGTG-3'
Protein context (NP_001364959.1, residues 65-85): LVDIQITTHH[Leu75Pro]HEQHEAEIFQ